The following is an entry in ClinVar:

ClinVar aggregate classification (germline): Conflicting classifications of pathogenicity. Review status: criteria provided, conflicting classifications (1 of 4 stars). 3 submissions from 3 submitters: Uncertain significance (1); Likely benign (2). Last evaluated 2023-02-22.

Conditions:
Osteogenesis imperfecta type I (OI1). Also called: OI, TYPE I; OSTEOGENESIS IMPERFECTA TARDA; OSTEOGENESIS IMPERFECTA WITH BLUE SCLERAE; Classic Non-deforming Osteogenesis Imperfecta with Blue Sclerae; Lobstein's Disease; Lobstein disease. Identifiers: Orphanet 216796, Orphanet 666, MedGen C0023931, MONDO:0008146, OMIM 166200. Disease mechanism: loss of function.
Cardiovascular phenotype. Identifiers: MedGen CN230736.

Allele frequency attached by ClinVar (database versions not stated): ExAC 0.00001.
gnomAD v4.1: 12 of 1,602,758 alleles (0.00075%); highest among the groups gnomAD compares: Non-Finnish European, 0.001%; no homozygotes.

Submissions (3):

Blueprint Genetics
Classification: Likely benign. Last evaluated: 2023-02-22. Review status: criteria provided, single submitter. Criteria: ACMG Guidelines, 2015. Collection method: clinical testing. Allele origin: germline.

Labcorp Genetics (formerly Invitae), Labcorp
Classification: Uncertain significance for Osteogenesis imperfecta type I. Last evaluated: 2021-12-22. Review status: criteria provided, single submitter. Criteria: Invitae Variant Classification Sherloc (09022015). Collection method: clinical testing. Allele origin: germline.
Comment: In summary, the available evidence is currently insufficient to determine the role of this variant in disease. Therefore, it has been classified as a Variant of Uncertain Significance. Algorithms developed to predict the effect of sequence changes on RNA splicing suggest that this variant may disrupt the consensus splice site. This variant has not been reported in the literature in individuals affected with COL1A1-related conditions. The frequency data for this variant in the population databases is considered unreliable, as metrics indicate poor data quality at this position in the gnomAD database. This sequence change affects codon 1087 of the COL1A1 mRNA. It is a 'silent' change, meaning that it does not change the encoded amino acid sequence of the COL1A1 protein. It affects a nucleotide within the consensus splice site.

Ambry Genetics
Classification: Likely benign for Cardiovascular phenotype. Last evaluated: 2021-03-25. Review status: criteria provided, single submitter. Criteria: Ambry Variant Classification Scheme 2023. Collection method: clinical testing. Allele origin: germline.

NM_000088.4(COL1A1):c.3261C>T (p.Ala1087=)

Gene: COL1A1 (collagen type I alpha 1 chain; minus strand). Cytogenetic location: 17q21.33.
Variant type: single nucleotide variant.
Coding change: c.3261C>T on transcript NM_000088.4 (MANE Select); coding-DNA position 3261, C replaced by T.
Protein change: p.Ala1087=; no amino-acid change (alanine 1087 retained).
Molecular consequence: synonymous variant.
Genome position (GRCh38, 1-based): chr17:50,188,096, G>A on the plus strand (C>T on the coding strand, the complement: COL1A1 is on the minus strand). VCF-style: chr17-50188096-G-A. GRCh37 (hg19) VCF-style: chr17-48265457-G-A.
Identifiers: ClinVar variation 1729535 (VCV001729535.10), dbSNP rs777989389, ClinGen allele CA8644505.
Genomic context (GRCh38, chr17:50,188,096, plus strand): 5'-TGGGGCACTGTCTGCATCTGTAGAGTTCTAAAGGCATGGGGGACACAGCAGGGTACTTAC[G>A]GCGGGGCCACGGGCGCCAACAGGGCCGACAGGACCGGCGGGACCAGCAGGACCCTGGGGA-3'
Protein context (NP_000079.2, residues 1077-1097): PVGPVGARGP[Ala1087=]GPQGPRGDKG